The following is an entry in ClinVar:

ClinVar aggregate classification (germline): Likely pathogenic (1 of 4 stars; one submission).

Conditions:
RYR1-related disorder. Also called: RYR1-related condition; RYR1-related disorders. Identifiers: MedGen CN239331.

Submission:

Labcorp Genetics (formerly Invitae), Labcorp
Classification: Likely pathogenic for RYR1-related disorder. Last evaluated: 2024-11-19. Review status: criteria provided, single submitter. Criteria: Invitae Variant Classification Sherloc (09022015). Collection method: clinical testing. Allele origin: germline.
Comment: This sequence change replaces asparagine, which is neutral and polar, with serine, which is neutral and polar, at codon 759 of the RYR1 protein (p.Asn759Ser). This variant is not present in population databases (gnomAD no frequency). This variant has not been reported in the literature in individuals affected with RYR1-related conditions. ClinVar contains an entry for this variant (Variation ID: 2906637). Invitae Evidence Modeling of protein sequence and biophysical properties (such as structural, functional, and spatial information, amino acid conservation, physicochemical variation, residue mobility, and thermodynamic stability) indicates that this missense variant is expected to disrupt RYR1 protein function with a positive predictive value of 95%. This variant disrupts the p.Asn759 amino acid residue in RYR1. Other variant(s) that disrupt this residue have been determined to be pathogenic (PMID: 23553484). This suggests that this residue is clinically significant, and that variants that disrupt this residue are likely to be disease-causing. In summary, the currently available evidence indicates that the variant is pathogenic, but additional data are needed to prove that conclusively. Therefore, this variant has been classified as Likely Pathogenic.

Literature cited by the submitters: PubMed 23553484.

NM_000540.3(RYR1):c.2276A>G (p.Asn759Ser)

Gene: RYR1 (ryanodine receptor 1; plus strand). Cytogenetic location: 19q13.2.
Variant type: single nucleotide variant.
Coding change: c.2276A>G on transcript NM_000540.3 (MANE Select); coding-DNA position 2276, A replaced by G.
Protein change: p.Asn759Ser; replaces asparagine 759 with serine.
Molecular consequence: missense variant.
Genome position (GRCh38, 1-based): chr19:38,459,254, A>G. VCF-style: chr19-38459254-A-G. GRCh37 (hg19) VCF-style: chr19-38949894-A-G.
Other names: c.2276A>G, p.Asn759Ser (NM_001042723.2); short protein forms N759S.
Identifiers: ClinVar variation 2906637 (VCV002906637.3), dbSNP rs2514049153, ClinGen allele CA405627936.